The following is an entry in ClinVar:

NM_000038.6(APC):c.4319C>G (p.Pro1440Arg)

Gene: APC (APC regulator of Wnt signaling pathway; plus strand). Cytogenetic location: 5q22.2.
Variant type: single nucleotide variant.
Coding change: c.4319C>G on transcript NM_000038.6 (MANE Select); coding-DNA position 4319, C replaced by G.
Protein change: p.Pro1440Arg; replaces proline 1440 with arginine.
Molecular consequence: missense variant. On other transcripts: non-coding transcript variant (2).
Genome position (GRCh38, 1-based): chr5:112,839,913, C>G. VCF-style: chr5-112839913-C-G. GRCh37 (hg19) VCF-style: chr5-112175610-C-G.
Other names: c.4319C>G, p.Pro1440Arg (NM_001127510.3, NM_001354895.2, NM_001407450.1); c.4265C>G, p.Pro1422Arg (NM_001127511.3); c.4373C>G, p.Pro1458Arg (NM_001354896.2, NM_001407447.1, NM_001407448.1 and 1 more transcripts); c.4349C>G, p.Pro1450Arg (NM_001354897.2); c.4244C>G, p.Pro1415Arg (NM_001354898.2); c.4235C>G, p.Pro1412Arg (NM_001354899.2); c.4196C>G, p.Pro1399Arg (NM_001354900.2); c.4142C>G, p.Pro1381Arg (NM_001354901.2, NM_001407453.1); and 12 more; short protein forms P1056R, P1314R, P1339R, P1399R, P1422R, P1440R, P1458R, P1157R.
Identifiers: ClinVar variation 2749053 (VCV002749053.4), dbSNP rs1389942947, ClinGen allele CA16030799.

ClinVar aggregate classification (germline): Uncertain significance. Review status: criteria provided, multiple submitters, no conflicts (2 of 4 stars). 2 submissions from 2 submitters: Uncertain significance (2). Last evaluated 2023-09-28.

Conditions:
Familial adenomatous polyposis 1 (FAP1). Also called: FAMILIAL ADENOMATOUS POLYPOSIS 1, ATTENUATED; POLYPOSIS, ADENOMATOUS INTESTINAL. Identifiers: MedGen C2713442, MONDO:0021056, OMIM 175100. Disease mechanism: loss of function.
Hereditary cancer-predisposing syndrome. Also called: Hereditary Cancer Syndrome; Neoplastic Syndromes, Hereditary; Tumor predisposition; Hereditary neoplastic syndrome. Identifiers: Orphanet 140162, MedGen C0027672, MeSH D009386, MONDO:0015356.

Submissions (2):

Ambry Genetics
Classification: Uncertain significance for Hereditary cancer-predisposing syndrome. Last evaluated: 2023-09-28. Review status: criteria provided, single submitter. Criteria: Ambry Variant Classification Scheme 2023. Collection method: clinical testing. Allele origin: germline.
Comment: The p.P1440R variant (also known as c.4319C>G), located in coding exon 15 of the APC gene, results from a C to G substitution at nucleotide position 4319. The proline at codon 1440 is replaced by arginine, an amino acid with dissimilar properties. This amino acid position is conserved. In addition, in silico predictors for this gene do not accurately predict pathogenicity. Since supporting evidence is limited at this time, the clinical significance of this alteration remains unclear.

Labcorp Genetics (formerly Invitae), Labcorp
Classification: Uncertain significance for Familial adenomatous polyposis 1. Last evaluated: 2023-08-01. Review status: criteria provided, single submitter. Criteria: Invitae Variant Classification Sherloc (09022015). Collection method: clinical testing. Allele origin: germline.
Comment: This sequence change replaces proline, which is neutral and non-polar, with arginine, which is basic and polar, at codon 1440 of the APC protein (p.Pro1440Arg). This variant has not been reported in the literature in individuals affected with APC-related conditions. Advanced modeling of protein sequence and biophysical properties (such as structural, functional, and spatial information, amino acid conservation, physicochemical variation, residue mobility, and thermodynamic stability) performed at Invitae indicates that this missense variant is not expected to disrupt APC protein function. This variant is not present in population databases (gnomAD no frequency). In summary, the available evidence is currently insufficient to determine the role of this variant in disease. Therefore, it has been classified as a Variant of Uncertain Significance.